The following is an entry in ClinVar:

NM_000057.4(BLM):c.24T>G (p.Asn8Lys)

Gene: BLM (BLM RecQ like helicase; plus strand). Cytogenetic location: 15q26.1.
Variant type: single nucleotide variant.
Coding change: c.24T>G on transcript NM_000057.4 (MANE Select); coding-DNA position 24, T replaced by G.
Protein change: p.Asn8Lys; replaces asparagine 8 with lysine.
Molecular consequence: missense variant. On other transcripts: 5 prime UTR variant (1).
Genome position (GRCh38, 1-based): chr15:90,747,416, T>G. VCF-style: chr15-90747416-T-G. GRCh37 (hg19) VCF-style: chr15-91290646-T-G.
Other names: c.24T>G, p.Asn8Lys (NM_001287246.2, NM_001287247.2); c.-1268T>G (NM_001287248.2); c.24T>G (NM_000057.2); short protein forms N8K.
Identifiers: ClinVar variation 405286 (VCV000405286.11), dbSNP rs1060500635, ClinGen allele CA16614536.
Genomic context (GRCh38, chr15:90,747,416, plus strand): 5'-ACTCCACTGATTTCTTTTTCCCTCACTTTTTAGGATTATGGCTGCTGTTCCTCAAAATAA[T>G]CTACAGGAGCAACTAGAACGTCACTCAGCCAGAACACTTAATAATAAATTAAGTCTTTCA-3'
Protein context (NP_000048.1, residues 1-18): MAAVPQN[Asn8Lys]LQEQLERHSA

ClinVar aggregate classification (germline): Uncertain significance. Review status: criteria provided, multiple submitters, no conflicts (2 of 4 stars). 4 submissions from 4 submitters: Uncertain significance (2). 2 of the submissions do not count toward it. Last evaluated 2025-03-19.

Conditions:
Bloom syndrome (BLM). Also called: Bloom-Torre-Machacek syndrome. Identifiers: Orphanet 125, MedGen C0005859, MONDO:0008876, OMIM 210900.
Hereditary cancer-predisposing syndrome. Also called: Hereditary Cancer Syndrome; Hereditary neoplastic syndrome; Neoplastic Syndromes, Hereditary; Tumor predisposition. Identifiers: Orphanet 140162, MedGen C0027672, MeSH D009386, MONDO:0015356.

Allele frequency attached by ClinVar (database versions not stated): gnomAD exomes below 0.00001.
gnomAD v4.1: 1 of 1,611,276 alleles (0.000062%); highest among the groups gnomAD compares: Non-Finnish European, 0.000085%; no homozygotes.

Submissions (4):

Ambry Genetics
Classification: Uncertain significance for Hereditary cancer-predisposing syndrome. Last evaluated: 2025-03-19. Review status: criteria provided, single submitter. Criteria: Ambry Variant Classification Scheme 2023. Collection method: clinical testing. Allele origin: germline.
Comment: The p.N8K variant (also known as c.24T>G), located in coding exon 1 of the BLM gene, results from a T to G substitution at nucleotide position 24. The asparagine at codon 8 is replaced by lysine, an amino acid with similar properties. This amino acid position is conserved. In addition, this alteration is predicted to be tolerated by in silico analysis. Based on the available evidence, the clinical significance of this variant remains unclear.

Labcorp Genetics (formerly Invitae), Labcorp
Classification: Uncertain significance for Bloom syndrome. Last evaluated: 2021-09-02. Review status: criteria provided, single submitter. Criteria: Invitae Variant Classification Sherloc (09022015). Collection method: clinical testing. Allele origin: germline.
Comment: This sequence change replaces asparagine with lysine at codon 8 of the BLM protein (p.Asn8Lys). The asparagine residue is moderately conserved and there is a moderate physicochemical difference between asparagine and lysine. This variant is not present in population databases (ExAC no frequency). This variant has not been reported in the literature in individuals affected with BLM-related conditions. Algorithms developed to predict the effect of missense changes on protein structure and function are either unavailable or do not agree on the potential impact of this missense change (SIFT: "Deleterious"; PolyPhen-2: "Probably Damaging"; Align-GVGD: "Class C0"). Algorithms developed to predict the effect of sequence changes on RNA splicing suggest that this variant may create or strengthen a splice site. In summary, the available evidence is currently insufficient to determine the role of this variant in disease. Therefore, it has been classified as a Variant of Uncertain Significance.

Natera, Inc.
Classification: Uncertain significance for Bloom syndrome. Last evaluated: 2020-11-04. Review status: no assertion criteria provided. Collection method: clinical testing. Allele origin: germline. Not counted in ClinVar's aggregate classification.

Counsyl
Classification: Uncertain significance for Bloom syndrome. Last evaluated: 2017-11-20. Review status: no assertion criteria provided. Collection method: clinical testing. Allele origin: unknown. Not counted in ClinVar's aggregate classification.